The following is an entry in ClinVar:

ClinVar aggregate classification (germline): Conflicting classifications of pathogenicity. Review status: criteria provided, conflicting classifications (1 of 4 stars). 2 submissions from 2 submitters: Uncertain significance (1); Likely benign (1). Last evaluated 2025-09-30.

Conditions:
ACTG1-related disorder. Also called: ACTG1-related condition; ACTG1-related disorders.

Allele frequency attached by ClinVar (database versions not stated): gnomAD 0.00001; gnomAD exomes 0.00003; ExAC 0.00004.
gnomAD v4.1: 71 of 1,613,806 alleles (0.0044%); highest among the groups gnomAD compares: Middle Eastern, 0.017%; no homozygotes.

Submissions (2):

PreventionGenetics, part of Exact Sciences
Classification: Uncertain significance for ACTG1-related condition. Last evaluated: 2025-09-30. Review status: criteria provided, single submitter. Criteria: ACMG Guidelines, 2015. Collection method: clinical testing. Allele origin: germline.
Comment: The ACTG1 c.*6C>G variant is located in the 3' untranslated region. To our knowledge, this variant has not been reported in the literature. This variant is reported in 0.013% of alleles in individuals of South Asian descent in gnomAD. Although we suspect that this variant may be benign, at this time, the clinical significance of this variant is uncertain due to the absence of conclusive functional and genetic evidence.

GeneDx
Classification: Likely benign. Last evaluated: 2020-08-05. Review status: criteria provided, single submitter. Criteria: GeneDx Variant Classification Process June 2021. Collection method: clinical testing. Allele origin: germline. Affected: yes.

NM_001614.5(ACTG1):c.*6C>G

Gene: ACTG1 (actin gamma 1; minus strand). Cytogenetic location: 17q25.3.
Variant type: single nucleotide variant.
Coding change: c.*6C>G on transcript NM_001614.5 (MANE Select); 6 bases downstream of the stop codon, C replaced by G.
Molecular consequence: 3 prime UTR variant. On other transcripts: non-coding transcript variant (1).
Genome position (GRCh38, 1-based): chr17:81,510,684, G>C on the plus strand (C>G on the coding strand, the complement: ACTG1 is on the minus strand). VCF-style: chr17-81510684-G-C. GRCh37 (hg19) VCF-style: chr17-79477710-G-C.
Other names: c.*6C>G (NM_001614.3, NM_001199954.3).
Identifiers: ClinVar variation 1193154 (VCV001193154.3), dbSNP rs782239083, ClinGen allele CA8835816.
Genomic context (GRCh38, chr17:81,510,684, plus strand): 5'-TGCCAGGGGCAAATTTCTATTCTCAATTAACCCATGCAGCAAATGCTACGCATCTGCTGA[G>C]TCCGTTTAGAAGCATTTGCGGTGGACGATGGAGGGGCCCGACTCGTCGTACTCCTGCTTG-3'